The following is an entry in ClinVar:

NM_001372044.2(SHANK3):c.613A>C (p.Lys205Gln)

Gene: SHANK3 (SH3 and multiple ankyrin repeat domains 3; plus strand). Cytogenetic location: 22q13.33.
Variant type: single nucleotide variant.
Coding change: c.613A>C on transcript NM_001372044.2 (MANE Select); coding-DNA position 613, A replaced by C.
Protein change: p.Lys205Gln; replaces lysine 205 with glutamine.
Molecular consequence: missense variant.
Genome position (GRCh38, 1-based): chr22:50,678,633, A>C. VCF-style: chr22-50678633-A-C. GRCh37 (hg19) VCF-style: chr22-51117061-A-C.
Other names: c.388A>C, p.Lys130Gln (NM_033517.1); short protein forms K130Q, K205Q.
Identifiers: ClinVar variation 1708796 (VCV001708796.2), dbSNP rs1253859826, ClinGen allele CA515252685.
Genomic context (GRCh38, chr22:50,678,633, plus strand): 5'-CCGGTGTTCCAGGCGAACCTGAAGAAGTTCATGGACTACGTCCAGCTGCATAGCACGGAC[A>C]AGGTGGCACGCCTGTTGGACAAGGGGCTGGACCCCAACTTCCATGACCCTGACTCAGGAG-3'
Protein context (NP_001358973.1, residues 195-215): MDYVQLHSTD[Lys205Gln]VARLLDKGLD

ClinVar aggregate classification (germline): Uncertain significance (1 of 4 stars; one submission).

Allele frequency attached by ClinVar (database versions not stated): gnomAD exomes below 0.00001; gnomAD 0.00001.

Submission:

GeneDx
Classification: Uncertain significance. Last evaluated: 2022-04-08. Review status: criteria provided, single submitter. Criteria: GeneDx Variant Classification Process June 2021. Collection method: clinical testing. Allele origin: germline. Affected: yes.
Comment: Not observed at significant frequency in large population cohorts (gnomAD); In silico analysis supports that this missense variant has a deleterious effect on protein structure/function; Has not been previously published as pathogenic or benign to our knowledge